The following is an entry in ClinVar:

NM_000535.7(PMS2):c.1873T>C (p.Leu625=)

Gene: PMS2 (PMS1 homolog 2, mismatch repair system component; minus strand). Cytogenetic location: 7p22.1.
Variant type: single nucleotide variant.
Coding change: c.1873T>C on transcript NM_000535.7 (MANE Select); coding-DNA position 1873, T replaced by C.
Protein change: p.Leu625=; no amino-acid change (leucine 625 retained).
Molecular consequence: synonymous variant. On other transcripts: non-coding transcript variant (1), intron variant (1).
Genome position (GRCh38, 1-based): chr7:5,986,892, A>G on the plus strand (T>C on the coding strand, the complement: PMS2 is on the minus strand). VCF-style: chr7-5986892-A-G. GRCh37 (hg19) VCF-style: chr7-6026523-A-G.
Other names: c.1468T>C, p.Leu490= (NM_001322003.2, NM_001322004.2, NM_001322005.2 and 16 more transcripts); c.1717T>C, p.Leu573= (NM_001322006.2, NM_001406870.1); c.1555T>C, p.Leu519= (NM_001322007.2, NM_001322008.2, NM_001406876.1 and 2 more transcripts); c.1312T>C, p.Leu438= (NM_001322010.2, NM_001406906.1, NM_001406907.1); c.940T>C, p.Leu314= (NM_001322011.2, NM_001322012.2); c.1300T>C, p.Leu434= (NM_001322013.2, NM_001406909.1); c.1873T>C, p.Leu625= (NM_001322014.2, NM_001406871.1, NM_001406872.1); c.1564T>C, p.Leu522= (NM_001322015.2, NM_001406875.1, NM_001406877.1 and 5 more transcripts); and 13 more.
Identifiers: ClinVar variation 3903605 (VCV003903605.1).

ClinVar aggregate classification (germline): Benign (1 of 4 stars; one submission).

Conditions:
Lynch syndrome 4 (LYNCH4). Also called: Colorectal cancer, hereditary nonpolyposis, type 4; Hereditary non-polyposis colorectal cancer, type 4. Identifiers: Orphanet 144, MedGen C1838333, MONDO:0013699, OMIM 614337. Disease mechanism: loss of function.

Submission:

Myriad Genetics, Inc.
Classification: Benign for Lynch syndrome 4. Last evaluated: 2025-01-31. Review status: criteria provided, single submitter. Criteria: Myriad Autosomal Dominant, Autosomal Recessive and X-Linked Classification Criteria (2023). Collection method: clinical testing. Allele origin: unknown.
Comment: This variant is considered benign. This variant is a silent/synonymous amino acid change and it is not expected to impact splicing.